The following is an entry in ClinVar:

NM_002834.5(PTPN11):c.174C>G (p.Asn58Lys)

Gene: PTPN11 (protein tyrosine phosphatase non-receptor type 11; plus strand). Cytogenetic location: 12q24.13.
Variant type: single nucleotide variant.
Coding change: c.174C>G on transcript NM_002834.5 (MANE Select); coding-DNA position 174, C replaced by G.
Protein change: p.Asn58Lys; replaces asparagine 58 with lysine.
Molecular consequence: missense variant.
Genome position (GRCh38, 1-based): chr12:112,450,354, C>G. VCF-style: chr12-112450354-C-G. GRCh37 (hg19) VCF-style: chr12-112888158-C-G.
Other names: p.N58K:AAC>AAG; c.174C>G, p.Asn58Lys (NM_001330437.2, NM_080601.3); c.171C>G, p.Asn57Lys (NM_001374625.1); short protein forms N58K, N57K.
Identifiers: ClinVar variation 40489 (VCV000040489.67), dbSNP rs397507506, ClinGen allele CA261561.

ClinVar aggregate classification (germline): Pathogenic/Likely pathogenic. Review status: criteria provided, multiple submitters, no conflicts (2 of 4 stars). 13 submissions from 13 submitters: Pathogenic (12); Likely pathogenic (1). Last evaluated 2025-12-28.

Conditions:
PTPN11-related disorder. Also called: PTPN11-Related Disorders.
LEOPARD syndrome 1 (LPRD1). Also called: LENTIGINOSIS, CARDIOMYOPATHIC; MULTIPLE LENTIGINES SYNDROME; PTPN11-Related LEOPARD Syndrome. Identifiers: Orphanet 500, MedGen C4551484, MONDO:0100082, OMIM 151100.
Noonan syndrome 1 (NS1). Also called: FEMALE PSEUDO-TURNER SYNDROME; TURNER PHENOTYPE WITH NORMAL KARYOTYPE; PTPN11-Related Noonan Syndrome. Identifiers: Orphanet 648, MedGen C4551602, MONDO:0008104, OMIM 163950. Disease mechanism: gain of function.
Juvenile myelomonocytic leukemia (JMML). Also called: LEUKEMIA, JUVENILE MYELOMONOCYTIC, SOMATIC. Identifiers: Orphanet 86834, MedGen C0349639, MONDO:0011908, OMIM 607785, HP:0012209.
Metachondromatosis (METCDS). Identifiers: Orphanet 2499, MedGen C0410530, MONDO:0007979, OMIM 156250.
RASopathy. Also called: rasopathies; Noonan spectrum disorder. Identifiers: Orphanet 536391, MedGen C5555857, MONDO:0021060.
Noonan syndrome (NS). Also called: Noonan's syndrome. Identifiers: Orphanet 648, MedGen C0028326, MeSH D009634, MONDO:0018997. Disease mechanism: gain of function.

Submissions 1 to 10 of 13:

Clinical Genomics Laboratory, Washington University in St. Louis
Classification: Pathogenic for Noonan syndrome 1; LEOPARD syndrome 1. Last evaluated: 2025-12-28. Review status: criteria provided, single submitter. Criteria: ACMG Guidelines, 2015. Collection method: clinical testing. Allele origin: germline. Affected: yes.
Comment: The PTPN11 c.174C>G (p.Asn58Lys) variant has been reported in five individuals affected with Noonan syndrome and has been reported as occurring de novo in at least one individual (Derbent M et al., PMID: 20954246; Digilio MC et al., PMID: 22190897; Musante L et al., PMID: 12634870; Croonen EA et al., PMID: 23321623; Zenker M et al., PMID: 15001945). This variant has been reported in the ClinVar database as a germline pathogenic variant by eight submitters and as a likely pathogenic variant by one submitter. This variant is absent from the general population (gnomAD v2.1.1), indicating it is not a common variant. Computational predictors are uncertain regarding the impact of this variant on PTPN11 function. This variant resides within a region of PTPN11, amino acids 58–63, that is defined as a critical functional domain (Wilcox EH et al., PMID: 40496714). The same amino acid change (p.Asn58Lys) resulting from a different nucleotide change, c.174C>A, has been reported in affected individuals (Variation ID: 40488). Other variants in the same codon, p.Asn58Asp, p.Asn58His, and p.Asn58Tyr, have been reported in affected individuals and are considered pathogenic (ClinVar Variation IDs: 40487, 40486, and 181494, respectively). Based on the available information and the updated ACMG/AMP specifications for variant interpretation and gene curation from the ClinGen RASopathy Expert Panel (Wilcox EH et al., PMID: 40496714), this variant is classified as pathogenic.

3billion
Classification: Pathogenic for PTPN11-related disorder. Last evaluated: 2025-08-19. Review status: criteria provided, single submitter. Criteria: ACMG Guidelines, 2015. Collection method: clinical testing. Allele origin: germline. Affected: yes.
Comment: The variant is not observed in the gnomAD v4.1.0 dataset. Predicted Consequence/Location: The variant is located in a mutational hot spot and/or well-established functional domain in which established pathogenic variants have been reported. Missense variant. Missense changes are a common disease-causing mechanism. In silico tool predictions suggest damaging effect of the variant on gene or gene product [3Cnet: 1.00 (> 0.75, sensitivity 0.96 and precision 0.92)]. The same nucleotide change resulting in the same amino acid change has been previously reported as pathogenic/likely pathogenic with strong evidence (ClinVar ID: VCV000040489 /PMID: 12634870). Different missense changes at the same codon (p.Asn58Asp, p.Asn58His, p.Asn58Ser, p.Asn58Tyr) have been reported as pathogenic/likely pathogenic with strong evidence (ClinVar ID: VCV000040486, VCV000040487, VCV000181494 /PMID: 15001945, 16263833, 29907801, 34358384 /3billion dataset). Therefore, this variant is classified as Pathogenic according to the recommendation of ACMG/AMP guideline.

GeneDx
Classification: Pathogenic. Last evaluated: 2024-09-23. Review status: criteria provided, single submitter. Criteria: GeneDx Variant Classification Process June 2021. Collection method: clinical testing. Allele origin: germline. Affected: yes.
Comment: Multiple pathogenic missense variants at this residue (p.N58D, p.N58Y, p.N58H) have been reported in association with Noonan spectrum disorders; Not observed at significant frequency in large population cohorts (gnomAD); In silico analysis supports that this missense variant has a deleterious effect on protein structure/function; Missense variants in this gene are often considered pathogenic (HGMD); This variant is associated with the following publications: (PMID: 22190897, 26607044, 32164556, 12634870, 23321623, 25914815, 24803665, 28425981, 16358218, 15928039, 20954246, 15723289, 18286234, 30417923, 30050098, 29907801, 35979676, 11992261, 9491886, 16053901, 29493581)

Blueprint Genetics
Classification: Pathogenic for PTPN11-related disorders. Last evaluated: 2024-07-26. Review status: criteria provided, single submitter. Criteria: ACMG Guidelines, 2015. Collection method: clinical testing. Allele origin: germline. Affected: yes. Observed: 3 variant alleles.

Institute for Genomic Medicine (IGM) Clinical Laboratory, Nationwide Children's Hospital
Classification: Pathogenic for Noonan syndrome 1. Last evaluated: 2024-02-13. Review status: criteria provided, single submitter. Criteria: ACMG Guidelines, 2015. Collection method: clinical testing. Allele origin: germline.
Comment: A different nucleotide change resulting in the same amino acid substitution has been reported as pathogenic (ACMG/AMP: PS1). This variant has been reported at an elevated frequency in affected individuals/in multiple affected individuals in the literature (ACMG/AMP: PS4; PMIDs:12634870, 18470943, 25914815, 29907801, 32164556). This variant is located in a mutational hot spot and/or critical and well-established functional domain (ACMG/AMP: PM1). This variant is absent from or present at an exceedingly low frequency in gnomAD, a large-scale control population database (ACMG/AMP: PM2). This variant has been reported to occur de novo in an affected individual in the literature without parental identity confirmed (ACMG/AMP: PM6_Strong; PMIDs:23321623, 25914815). This variant occurs in a gene with a low rate of benign missense variation, in which missense alterations are a common mechanism of disease (ACMG/AMP: PP2).

Labcorp Genetics (formerly Invitae), Labcorp
Classification: Pathogenic for RASopathy. Last evaluated: 2024-01-04. Review status: criteria provided, single submitter. Criteria: Invitae Variant Classification Sherloc (09022015). Collection method: clinical testing. Allele origin: germline.
Comment: This sequence change replaces asparagine, which is neutral and polar, with lysine, which is basic and polar, at codon 58 of the PTPN11 protein (p.Asn58Lys). This variant is not present in population databases (gnomAD no frequency). This missense change has been observed in individuals with Noonan syndrome (PMID: 12634870, 20954246, 22190897, 23321623). ClinVar contains an entry for this variant (Variation ID: 40489). Advanced modeling of protein sequence and biophysical properties (such as structural, functional, and spatial information, amino acid conservation, physicochemical variation, residue mobility, and thermodynamic stability) performed at Invitae indicates that this missense variant is expected to disrupt PTPN11 protein function with a positive predictive value of 95%. This variant disrupts the p.Asn58 amino acid residue in PTPN11. Other variant(s) that disrupt this residue have been determined to be pathogenic (PMID: 15001945, 16263833, 19125092). This suggests that this residue is clinically significant, and that variants that disrupt this residue are likely to be disease-causing. For these reasons, this variant has been classified as Pathogenic.

Laboratoire Génétique Moléculaire, CHRU TOURS
Classification: Pathogenic for Noonan syndrome 1. Last evaluated: 2022-12-16. Review status: criteria provided, single submitter. Criteria: ACMG Guidelines, 2015. Collection method: clinical testing. Allele origin: de novo. Affected: yes.
Comment: PS1;PS2;PM1;PM2;PP3;PP4;PP5

Laboratory for Molecular Medicine, Mass General Brigham Personalized Medicine
Classification: Pathogenic for Noonan syndrome. Last evaluated: 2022-11-22. Review status: criteria provided, single submitter. Criteria: ACMG Guidelines, 2015. Collection method: clinical testing. Allele origin: germline. Inheritance: Autosomal dominant inheritance.
Comment: The c.174C>G, p.Asn58Lys variant in PTPN11 has been reported in at least 6 individuals with clinical features of Noonan syndrome and segregated with disease in at least 4 affected relatives from one family (Musant 2003 PMID:12634870, Tartaglia 2006 PMID:16358218, Derbent 2010 PMID:20954246, Digilio 2011 PMID:22190897, Croonen 2013 PMID:23321623, LMM data). It has also been reported by other clinical laboratories in ClinVar (Variation ID 40489) and absent from large population studies. Computational tools and conservation analyses are consistent with pathogenicity. Another variant resulting in the same missense change (c.172A>C, p.Asn58His) and two additional variants involving this codon (p.Asn58Asp and p.Asn58His) have also been reported in ClinVar as a Pathogenic variant by several clinical laboratories, including this laboratory. In summary, this variant meets criteria to be classified as pathogenic for autosomal dominant Noonan syndrome. ACMG/AMP criteria applied: PS4, PP1, PM2_Supporting, PM5_strong, PP3.

Genomic Research Center, Shahid Beheshti University of Medical Sciences
Classification: Pathogenic for Noonan syndrome. Last evaluated: 2017-12-18. Review status: criteria provided, single submitter. Criteria: ACMG Guidelines, 2015. Collection method: clinical testing. Allele origin: inherited. Affected: yes.

CeGaT Center for Human Genetics Tuebingen
Classification: Pathogenic. Last evaluated: 2017-09-01. Review status: criteria provided, single submitter. Criteria: CeGaT Center For Human Genetics Tuebingen Variant Classification Criteria Version 2. Collection method: clinical testing. Allele origin: germline. Affected: yes. Observed: 1 variant allele.